The following is an entry in ClinVar:

NM_012338.4(TSPAN12):c.359T>C (p.Met120Thr)

Gene: TSPAN12 (tetraspanin 12; minus strand). Cytogenetic location: 7q31.31.
Variant type: single nucleotide variant.
Coding change: c.359T>C on transcript NM_012338.4 (MANE Select); coding-DNA position 359, T replaced by C.
Protein change: p.Met120Thr; replaces methionine 120 with threonine.
Molecular consequence: missense variant.
Genome position (GRCh38, 1-based): chr7:120,815,730, A>G on the plus strand (T>C on the coding strand, the complement: TSPAN12 is on the minus strand). VCF-style: chr7-120815730-A-G. GRCh37 (hg19) VCF-style: chr7-120455784-A-G.
Other names: short protein forms M120T.
Identifiers: ClinVar variation 1910401 (VCV001910401.5), dbSNP rs1271384967, ClinGen allele CA369138694.

ClinVar aggregate classification (germline): Uncertain significance (1 of 4 stars; one submission).

Allele frequency attached by ClinVar (database versions not stated): gnomAD exomes below 0.00001; TOPMed 0.00001.

Submission:

Labcorp Genetics (formerly Invitae), Labcorp
Classification: Uncertain significance. Last evaluated: 2022-08-16. Review status: criteria provided, single submitter. Criteria: Invitae Variant Classification Sherloc (09022015). Collection method: clinical testing. Allele origin: germline.
Comment: This variant has not been reported in the literature in individuals affected with TSPAN12-related conditions. This variant is not present in population databases (gnomAD no frequency). This sequence change replaces methionine, which is neutral and non-polar, with threonine, which is neutral and polar, at codon 120 of the TSPAN12 protein (p.Met120Thr). Algorithms developed to predict the effect of missense changes on protein structure and function (SIFT, PolyPhen-2, Align-GVGD) all suggest that this variant is likely to be tolerated. In summary, the available evidence is currently insufficient to determine the role of this variant in disease. Therefore, it has been classified as a Variant of Uncertain Significance.